The following is an entry in ClinVar:

NM_001376.5(DYNC1H1):c.11933C>T (p.Thr3978Ile)

Gene: DYNC1H1 (dynein cytoplasmic 1 heavy chain 1; plus strand). Cytogenetic location: 14q32.31.
Variant type: single nucleotide variant.
Coding change: c.11933C>T on transcript NM_001376.5 (MANE Select); coding-DNA position 11933, C replaced by T.
Protein change: p.Thr3978Ile; replaces threonine 3978 with isoleucine.
Molecular consequence: missense variant.
Genome position (GRCh38, 1-based): chr14:102,040,665, C>T. VCF-style: chr14-102040665-C-T. GRCh37 (hg19) VCF-style: chr14-102507002-C-T.
Other names: short protein forms T3978I.
Identifiers: ClinVar variation 1745374 (VCV001745374.2), dbSNP rs2503851872, ClinGen allele CA391037441.
Genomic context (GRCh38, chr14:102,040,665, plus strand): 5'-GCATCTGGCTGGACAGCAGCTCCCCGGAGCAGACTGTGCCCTACCTCTGGAGTGAAGAAA[C>T]ACCTGCAAGTAAGCCCCACTGTGGTTTTCTTTCTGGACCTGAATGTAAAGTTGGGTTTTG-3'
Protein context (NP_001367.2, residues 3968-3988): QTVPYLWSEE[Thr3978Ile]PATPIGQAIH

ClinVar aggregate classification (germline): Uncertain significance (1 of 4 stars; one submission).

Conditions:
Inborn genetic diseases. Identifiers: MedGen C0950123, MeSH D030342.

Submission:

Ambry Genetics
Classification: Uncertain significance for Inborn genetic diseases. Last evaluated: 2022-01-07. Review status: criteria provided, single submitter. Criteria: Ambry Variant Classification Scheme 2023. Collection method: clinical testing. Allele origin: germline.
Comment: The p.T3978I variant (also known as c.11933C>T), located in coding exon 64 of the DYNC1H1 gene, results from a C to T substitution at nucleotide position 11933. The threonine at codon 3978 is replaced by isoleucine, an amino acid with similar properties. This amino acid position is conserved. In addition, this alteration is predicted to be tolerated by in silico analysis. Since supporting evidence is limited at this time, the clinical significance of this alteration remains unclear.